The following is an entry in ClinVar:

NM_001103.4(ACTN2):c.852A>T (p.Glu284Asp)

Gene: ACTN2 (actinin alpha 2; plus strand). Cytogenetic location: 1q43.
Variant type: single nucleotide variant.
Coding change: c.852A>T on transcript NM_001103.4 (MANE Select); coding-DNA position 852, A replaced by T.
Protein change: p.Glu284Asp; replaces glutamic acid 284 with aspartic acid.
Molecular consequence: missense variant. On other transcripts: non-coding transcript variant (1).
Genome position (GRCh38, 1-based): chr1:236,737,190, A>T. VCF-style: chr1-236737190-A-T. GRCh37 (hg19) VCF-style: chr1-236900490-A-T.
Other names: c.852A>T, p.Glu284Asp (NM_001278343.2); short protein forms E284D.
Identifiers: ClinVar variation 3750441 (VCV003750441.2).

ClinVar aggregate classification (germline): Uncertain significance (1 of 4 stars; one submission).

Conditions:
Primary familial hypertrophic cardiomyopathy (HCM). Identifiers: Orphanet 99739, MedGen C0949658, MeSH D024741, MONDO:0024573. Inheritance: Various modes of inheritance.
Dilated cardiomyopathy 1AA (CMD1AA). Also called: CARDIOMYOPATHY, DILATED, 1AA, WITH OR WITHOUT LEFT VENTRICULAR NONCOMPACTION; CARDIOMYOPATHY, FAMILIAL HYPERTROPHIC, 23, WITH OR WITHOUT LEFT VENTRICULAR NONCOMPACTION; Cardiomyopathy, dilated, 1AA, with or without LVNC. Identifiers: Orphanet 154, MedGen C2677338, MONDO:0012808, OMIM 612158.

gnomAD v4.1: 1 of 1,600,608 alleles (0.000062%); no homozygotes.

Submission:

Labcorp Genetics (formerly Invitae), Labcorp
Classification: Uncertain significance for Primary familial hypertrophic cardiomyopathy; Dilated cardiomyopathy 1AA. Last evaluated: 2025-01-23. Review status: criteria provided, single submitter. Criteria: Invitae Variant Classification Sherloc (09022015). Collection method: clinical testing. Allele origin: germline.
Comment: This sequence change replaces glutamic acid, which is acidic and polar, with aspartic acid, which is acidic and polar, at codon 284 of the ACTN2 protein (p.Glu284Asp). This variant is not present in population databases (gnomAD no frequency). This variant has not been reported in the literature in individuals affected with ACTN2-related conditions. Invitae Evidence Modeling of protein sequence and biophysical properties (such as structural, functional, and spatial information, amino acid conservation, physicochemical variation, residue mobility, and thermodynamic stability) indicates that this missense variant is not expected to disrupt ACTN2 protein function with a negative predictive value of 80%. In summary, the available evidence is currently insufficient to determine the role of this variant in disease. Therefore, it has been classified as a Variant of Uncertain Significance.